The following is an entry in ClinVar:

NM_145868.2(ANXA11):c.962C>A (p.Thr321Asn)

Gene: ANXA11 (annexin A11; minus strand). Cytogenetic location: 10q22.3.
Variant type: single nucleotide variant.
Coding change: c.962C>A on transcript NM_145868.2 (MANE Select); coding-DNA position 962, C replaced by A.
Protein change: p.Thr321Asn; replaces threonine 321 with asparagine.
Molecular consequence: missense variant.
Genome position (GRCh38, 1-based): chr10:80,163,601, G>T on the plus strand (C>A on the coding strand, the complement: ANXA11 is on the minus strand). VCF-style: chr10-80163601-G-T. GRCh37 (hg19) VCF-style: chr10-81923357-G-T.
Other names: c.962C>A, p.Thr321Asn (NM_001157.3, NM_001278407.2, NM_001278408.2 and 1 more transcripts); c.863C>A, p.Thr288Asn (NM_001278409.2); c.962C>A (NM_145869.1); short protein forms T288N, T321N.
Identifiers: ClinVar variation 1624615 (VCV001624615.31), dbSNP rs76806315, ClinGen allele CA5576006.

ClinVar aggregate classification (germline): Benign/Likely benign. Review status: criteria provided, multiple submitters, no conflicts (2 of 4 stars). 4 submissions from 4 submitters: Benign (2); Likely benign (1). 1 of the submissions does not count toward it. Last evaluated 2026-09-01.

Conditions:
Amyotrophic lateral sclerosis type 23. Identifiers: MedGen C4693381, MONDO:0027694, OMIM 617839.
ANXA11-related disorder. Also called: ANXA11-related condition.

Allele frequency attached by ClinVar (database versions not stated): ESP Exome Variant Server 0.00008; gnomAD exomes 0.00030 and 0.00056; 1000 Genomes Project 30x 0.00031; gnomAD 0.00031 and 0.00034; 1000 Genomes Project 0.00040; TOPMed 0.00041; ExAC 0.00060.
gnomAD v4.1: 475 of 1,554,962 alleles (0.031%); highest among the groups gnomAD compares: East Asian, 0.6%; 3 homozygotes.

Submissions (4):

CeGaT Center for Human Genetics Tuebingen
Classification: Likely benign. Last evaluated: 2026-09-01. Review status: criteria provided, single submitter. Criteria: CeGaT Center For Human Genetics Tuebingen Variant Classification Criteria Version 2. Collection method: clinical testing. Allele origin: germline. Affected: yes. Observed: 3 variant alleles.
Comment: ANXA11: BS1

Labcorp Genetics (formerly Invitae), Labcorp
Classification: Benign. Last evaluated: 2025-12-14. Review status: criteria provided, single submitter. Criteria: Invitae Variant Classification Sherloc (09022015). Collection method: clinical testing. Allele origin: germline.

Molecular Genetics, Royal Melbourne Hospital
Classification: Benign for Amyotrophic lateral sclerosis type 23. Last evaluated: 2023-05-04. Review status: criteria provided, single submitter. Criteria: ACMG Guidelines, 2015. Collection method: clinical testing. Allele origin: germline. Affected: no.
Comment: East Asian population allele frequency is 0.5145% (rs76806315, 91/13480 alleles, 0 homozygotes in gnomAD v2.1). Based on the classification scheme RMH Modified ACMG/AMP Guidelines v1.5.1, this variant is classified as BENIGN. Following criteria are met: BA1

PreventionGenetics, part of Exact Sciences
Classification: Likely benign for ANXA11-related condition. Last evaluated: 2021-12-23. Review status: no assertion criteria provided. Collection method: clinical testing. Allele origin: germline. Not counted in ClinVar's aggregate classification.
Comment: This variant is classified as likely benign based on ACMG/AMP sequence variant interpretation guidelines (Richards et al. 2015 PMID: 25741868, with internal and published modifications).